The following is an entry in ClinVar:

ClinVar aggregate classification (germline): Likely benign. Review status: criteria provided, multiple submitters, no conflicts (2 of 4 stars). 2 submissions from 2 submitters: Likely benign (2). Last evaluated 2026-08-01.

Conditions:
Bethlem myopathy 1A. Also called: Bethlem Muscular Dystrophy; MYOPATHY, BENIGN CONGENITAL, WITH CONTRACTURES; Bethlem myopathy 1. Identifiers: Orphanet 610, MedGen CN029274, MONDO:0024530, OMIM 158810.

Allele frequency attached by ClinVar (database versions not stated): gnomAD exomes below 0.00001 and 0.00002; ExAC 0.00001; gnomAD 0.00001 and 0.00002; TOPMed 0.00001; 1000 Genomes Project 30x 0.00016.
gnomAD v4.1: 10 of 1,614,122 alleles (0.00062%); highest among the groups gnomAD compares: Admixed American, 0.013%; no homozygotes.

Submissions (2):

CeGaT Center for Human Genetics Tuebingen
Classification: Likely benign. Last evaluated: 2026-08-01. Review status: criteria provided, single submitter. Criteria: CeGaT Center For Human Genetics Tuebingen Variant Classification Criteria Version 2. Collection method: clinical testing. Allele origin: germline. Affected: yes. Observed: 1 variant allele.
Comment: COL6A3: BP4, BP7

Labcorp Genetics (formerly Invitae), Labcorp
Classification: Likely benign for Bethlem myopathy 1A. Last evaluated: 2024-11-19. Review status: criteria provided, single submitter. Criteria: Invitae Variant Classification Sherloc (09022015). Collection method: clinical testing. Allele origin: germline.

NM_004369.4(COL6A3):c.1023C>T (p.Arg341=)

Gene: COL6A3 (collagen type VI alpha 3 chain; minus strand). Cytogenetic location: 2q37.3.
Variant type: single nucleotide variant.
Coding change: c.1023C>T on transcript NM_004369.4 (MANE Select); coding-DNA position 1023, C replaced by T.
Protein change: p.Arg341=; no amino-acid change (arginine 341 retained).
Molecular consequence: synonymous variant. On other transcripts: intron variant (2).
Genome position (GRCh38, 1-based): chr2:237,387,871, G>A on the plus strand (C>T on the coding strand, the complement: COL6A3 is on the minus strand). VCF-style: chr2-237387871-G-A. GRCh37 (hg19) VCF-style: chr2-238296514-G-A.
Other names: c.405C>T, p.Arg135= (NM_057165.5, NM_057167.4); c.92-6372C>T (NM_057166.5, NM_057164.5).
Identifiers: ClinVar variation 774268 (VCV000774268.11), dbSNP rs779564611, ClinGen allele CA2189720.